The following is an entry in ClinVar:

NM_182961.4(SYNE1):c.5981T>C (p.Ile1994Thr)

Gene: SYNE1 (spectrin repeat containing nuclear envelope protein 1; minus strand). Cytogenetic location: 6q25.2.
Variant type: single nucleotide variant.
Coding change: c.5981T>C on transcript NM_182961.4 (MANE Select); coding-DNA position 5981, T replaced by C.
Protein change: p.Ile1994Thr; replaces isoleucine 1994 with threonine.
Molecular consequence: missense variant.
Genome position (GRCh38, 1-based): chr6:152,416,456, A>G on the plus strand (T>C on the coding strand, the complement: SYNE1 is on the minus strand). VCF-style: chr6-152416456-A-G. GRCh37 (hg19) VCF-style: chr6-152737591-A-G.
Other names: c.6002T>C, p.Ile2001Thr (NM_033071.5); short protein forms I1994T, I2001T.
Identifiers: ClinVar variation 1715970 (VCV001715970.5), dbSNP rs948151286, ClinGen allele CA150207499.

ClinVar aggregate classification (germline): Uncertain significance (1 of 4 stars; one submission).

Conditions:
Emery-Dreifuss muscular dystrophy 4, autosomal dominant (EDMD4). Also called: EMERY-DREIFUSS MUSCULAR DYSTROPHY 4 WITH VARIABLE FEATURES. Identifiers: Orphanet 261, MedGen C2751807, MONDO:0013071, OMIM 612998.
Autosomal recessive ataxia, Beauce type. Also called: SYNE1-Related Autosomal Recessive Cerebellar Ataxia; SYNE1 Deficiency; Spinocerebellar ataxia, autosomal recessive 8; ATAXIA, RECESSIVE, OF BEAUCE. Identifiers: Orphanet 88644, MedGen C1853116, MONDO:0012549, OMIM 610743.

Allele frequency attached by ClinVar (database versions not stated): gnomAD exomes below 0.00001.
gnomAD v4.1: 2 of 1,614,064 alleles (0.00012%); highest among the groups gnomAD compares: Non-Finnish European, 0.00017%; no homozygotes.

Submission:

Labcorp Genetics (formerly Invitae), Labcorp
Classification: Uncertain significance for Emery-Dreifuss muscular dystrophy 4, autosomal dominant; Autosomal recessive ataxia, Beauce type. Last evaluated: 2022-07-16. Review status: criteria provided, single submitter. Criteria: Invitae Variant Classification Sherloc (09022015). Collection method: clinical testing. Allele origin: germline.
Comment: This sequence change replaces isoleucine, which is neutral and non-polar, with threonine, which is neutral and polar, at codon 2001 of the SYNE1 protein (p.Ile2001Thr). This variant is not present in population databases (gnomAD no frequency). This variant has not been reported in the literature in individuals affected with SYNE1-related conditions. Algorithms developed to predict the effect of missense changes on protein structure and function are either unavailable or do not agree on the potential impact of this missense change (SIFT: "Deleterious"; PolyPhen-2: "Benign"; Align-GVGD: "Class C65"). In summary, the available evidence is currently insufficient to determine the role of this variant in disease. Therefore, it has been classified as a Variant of Uncertain Significance.